The following is an entry in ClinVar:

NM_001195263.2(PDZD7):c.199G>A (p.Val67Ile)

Gene: PDZD7 (PDZ domain containing 7; minus strand). Cytogenetic location: 10q24.31.
Variant type: single nucleotide variant.
Coding change: c.199G>A on transcript NM_001195263.2 (MANE Select); coding-DNA position 199, G replaced by A.
Protein change: p.Val67Ile; replaces valine 67 with isoleucine.
Molecular consequence: missense variant.
Genome position (GRCh38, 1-based): chr10:101,030,021, C>T on the plus strand (G>A on the coding strand, the complement: PDZD7 is on the minus strand). VCF-style: chr10-101030021-C-T. GRCh37 (hg19) VCF-style: chr10-102789778-C-T.
Other names: c.199G>A, p.Val67Ile (NM_001351044.2, NM_024895.5); short protein forms V67I.
Identifiers: ClinVar variation 1911064 (VCV001911064.5), dbSNP rs775544404, ClinGen allele CA378231205.

ClinVar aggregate classification (germline): Uncertain significance (1 of 4 stars; one submission).

gnomAD v4.1: 3 of 1,596,190 alleles (0.00019%); highest among the groups gnomAD compares: Admixed American, 0.0017%; no homozygotes.

Submission:

Labcorp Genetics (formerly Invitae), Labcorp
Classification: Uncertain significance. Last evaluated: 2022-09-13. Review status: criteria provided, single submitter. Criteria: Invitae Variant Classification Sherloc (09022015). Collection method: clinical testing. Allele origin: germline.
Comment: In summary, the available evidence is currently insufficient to determine the role of this variant in disease. Therefore, it has been classified as a Variant of Uncertain Significance. Advanced modeling of protein sequence and biophysical properties (such as structural, functional, and spatial information, amino acid conservation, physicochemical variation, residue mobility, and thermodynamic stability) has been performed at Invitae for this missense variant, however the output from this modeling did not meet the statistical confidence thresholds required to predict the impact of this variant on PDZD7 protein function. This variant has not been reported in the literature in individuals affected with PDZD7-related conditions. This variant is not present in population databases (gnomAD no frequency). This sequence change replaces valine, which is neutral and non-polar, with isoleucine, which is neutral and non-polar, at codon 67 of the PDZD7 protein (p.Val67Ile).